The following is an entry in ClinVar:

ClinVar aggregate classification (germline): Benign/Likely benign. Review status: criteria provided, multiple submitters, no conflicts (2 of 4 stars). 7 submissions from 7 submitters: Benign (1); Likely benign (6). Last evaluated 2025-12-29.

Conditions:
Hereditary cancer-predisposing syndrome. Also called: Tumor predisposition; Neoplastic Syndromes, Hereditary; Hereditary neoplastic syndrome; Hereditary Cancer Syndrome. Identifiers: Orphanet 140162, MedGen C0027672, MeSH D009386, MONDO:0015356.
Juvenile polyposis syndrome (JPS). Identifiers: Orphanet 2929, MedGen C0345893, MONDO:0017380, OMIM 174900.
Familial thoracic aortic aneurysm and aortic dissection (TAAD). Also called: Thoracic aortic aneurysms and dissections. Identifiers: Orphanet 91387, MedGen C4707243, MONDO:0019625.
Juvenile polyposis/hereditary hemorrhagic telangiectasia syndrome (JPHT). Also called: Juvenile Polyposis Syndrome / Hereditary Hemorrhagic Telangiectasia (JPS/HHT); JP/HHT SYNDROME; JUVENILE POLYPOSIS WITH HEREDITARY HEMORRHAGIC TELANGIECTASIA; POLYPOSIS, GENERALIZED JUVENILE, WITH PULMONARY ARTERIOVENOUS MALFORMATION; TELANGIECTASIA, HEREDITARY HEMORRHAGIC, WITH JUVENILE POLYPOSIS COLI. Identifiers: Orphanet 2929, MedGen C1832942, MONDO:0008278, OMIM 175050.

Allele frequency attached by ClinVar (database versions not stated): ESP Exome Variant Server 0.00008; gnomAD 0.00002 and 0.00003; gnomAD exomes 0.00002 and 0.00003; TOPMed 0.00004.
gnomAD v4.1: 52 of 1,614,004 alleles (0.0032%); highest among the groups gnomAD compares: Non-Finnish European, 0.0042%; no homozygotes.

Submissions (7):

Labcorp Genetics (formerly Invitae), Labcorp
Classification: Likely benign for Juvenile polyposis syndrome. Last evaluated: 2025-12-29. Review status: criteria provided, single submitter. Criteria: Invitae Variant Classification Sherloc (09022015). Collection method: clinical testing. Allele origin: germline.

Myriad Genetics, Inc.
Classification: Benign for Juvenile polyposis/hereditary hemorrhagic telangiectasia syndrome. Last evaluated: 2025-03-18. Review status: criteria provided, single submitter. Criteria: Myriad Autosomal Dominant, Autosomal Recessive and X-Linked Classification Criteria (2023). Collection method: clinical testing. Allele origin: unknown.
Comment: This variant is considered benign. This variant is a silent/synonymous amino acid change and it is not expected to impact splicing.

All of Us Research Program, National Institutes of Health
Classification: Likely benign for Juvenile polyposis/hereditary hemorrhagic telangiectasia syndrome. Last evaluated: 2023-10-30. Review status: criteria provided, single submitter. Criteria: ACMG Guidelines, 2015. Collection method: clinical testing. Allele origin: germline. Inheritance: Autosomal dominant inheritance. Observed: 4 variant alleles, 4 heterozygotes.
Comment: This study involves interpretation of variants in research participants for the purpose of population health screening. Participant phenotype was not available at the time of variant classification. Additional details can be found in publication PMID: 35346344, PMCID: PMC8962531

Sema4
Classification: Likely benign for Hereditary cancer-predisposing syndrome. Last evaluated: 2021-11-10. Review status: criteria provided, single submitter. Criteria: Sema4 Curation Guidelines. Collection method: curation. Allele origin: germline.

GeneDx
Classification: Likely benign. Last evaluated: 2018-08-15. Review status: criteria provided, single submitter. Criteria: GeneDx Variant Classification Process June 2021. Collection method: clinical testing. Allele origin: germline. Affected: yes.

Color Diagnostics, LLC DBA Color Health
Classification: Likely benign for Hereditary cancer-predisposing syndrome. Last evaluated: 2017-12-13. Review status: criteria provided, single submitter. Criteria: ACMG Guidelines, 2015. Collection method: clinical testing. Allele origin: germline.

Ambry Genetics
Classification: Likely benign for Hereditary cancer-predisposing syndrome; Familial thoracic aortic aneurysm and aortic dissection. Last evaluated: 2015-01-19. Review status: criteria provided, single submitter. Criteria: Ambry Variant Classification Scheme 2023. Collection method: clinical testing. Allele origin: germline.

NM_005359.6(SMAD4):c.369T>C (p.Cys123=)

Gene: SMAD4 (SMAD family member 4; plus strand). Cytogenetic location: 18q21.2.
Variant type: single nucleotide variant.
Coding change: c.369T>C on transcript NM_005359.6 (MANE Select); coding-DNA position 369, T replaced by C.
Protein change: p.Cys123=; no amino-acid change (cysteine 123 retained).
Molecular consequence: synonymous variant.
Genome position (GRCh38, 1-based): chr18:51,048,805, T>C. VCF-style: chr18-51048805-T-C. GRCh37 (hg19) VCF-style: chr18-48575175-T-C.
Identifiers: ClinVar variation 230174 (VCV000230174.23), dbSNP rs140926102, ClinGen allele CA10580975.